The following is an entry in ClinVar:

NM_003640.5(ELP1):c.2302G>A (p.Glu768Lys)

Gene: ELP1 (elongator acetyltransferase complex subunit 1; minus strand). Cytogenetic location: 9q31.3.
Variant type: single nucleotide variant.
Coding change: c.2302G>A on transcript NM_003640.5 (MANE Select); coding-DNA position 2302, G replaced by A.
Protein change: p.Glu768Lys; replaces glutamic acid 768 with lysine.
Molecular consequence: missense variant.
Genome position (GRCh38, 1-based): chr9:108,898,563, C>T on the plus strand (G>A on the coding strand, the complement: ELP1 is on the minus strand). VCF-style: chr9-108898563-C-T. GRCh37 (hg19) VCF-style: chr9-111660843-C-T.
Other names: p.Glu768Lys; c.1960G>A, p.Glu654Lys (NM_001318360.2); c.1255G>A, p.Glu419Lys (NM_001330749.2); short protein forms E419K, E654K, E768K.
Identifiers: ClinVar variation 3379893 (VCV003379893.3).
Genomic context (GRCh38, chr9:108,898,563, plus strand): 5'-TCAATTCTGTAAAAAACAAGTTAATATGATTCACAGAATCTATCTGTTTAATGAAGGTTT[C>T]CACATTTCCAAGAAACACCTACCAAAAAAAGGACAAAACATCTTCGTTCAGATCATATTA-3'
Protein context (NP_003631.2, residues 758-778): HNPKVFLGNV[Glu768Lys]TFIKQIDSVN

ClinVar aggregate classification (germline): Uncertain significance. Review status: criteria provided, multiple submitters, no conflicts (2 of 4 stars). 2 submissions from 2 submitters: Uncertain significance (2). Last evaluated 2024-09-17.

gnomAD v4.1: 1 of 1,606,296 alleles (0.000062%); highest among the groups gnomAD compares: Non-Finnish European, 0.000085%; no homozygotes.

Submissions (2):

Mayo Clinic Laboratories, Mayo Clinic
Classification: Uncertain significance. Last evaluated: 2024-09-17. Review status: criteria provided, single submitter. Criteria: ACMG Guidelines, 2015. Collection method: clinical testing. Allele origin: germline. Observed: 1 variant allele.
Comment: BP4, PM2

Labcorp Genetics (formerly Invitae), Labcorp
Classification: Uncertain significance. Last evaluated: 2024-05-25. Review status: criteria provided, single submitter. Criteria: Invitae Variant Classification Sherloc (09022015). Collection method: clinical testing. Allele origin: germline.
Comment: This sequence change replaces glutamic acid, which is acidic and polar, with lysine, which is basic and polar, at codon 768 of the ELP1 protein (p.Glu768Lys). This variant is not present in population databases (gnomAD no frequency). This variant has not been reported in the literature in individuals affected with ELP1-related conditions. Advanced modeling of protein sequence and biophysical properties (such as structural, functional, and spatial information, amino acid conservation, physicochemical variation, residue mobility, and thermodynamic stability) performed at Invitae indicates that this missense variant is not expected to disrupt ELP1 protein function with a negative predictive value of 80%. In summary, the available evidence is currently insufficient to determine the role of this variant in disease. Therefore, it has been classified as a Variant of Uncertain Significance.